The following is an entry in ClinVar:

NM_001042492.3(NF1):c.2355_2358dup (p.Ala787fs)

Gene: NF1 (neurofibromin 1; plus strand). Cytogenetic location: 17q11.2.
Variant type: Duplication.
Coding change: c.2355_2358dup on transcript NM_001042492.3 (MANE Select); coding-DNA positions 2355 to 2358, 4 bases duplicated (ACAA; older notation c.2355_2358dupACAA).
Protein change: p.Ala787fs; shifts the reading frame from alanine 787.
Molecular consequence: frameshift variant.
Genome position (GRCh38, 1-based): chr17:31,227,552-31,227,555, ACAA duplicated; duplicating any 4 consecutive bases within chr17:31,227,551-31,227,555 gives the same sequence; the c. name uses the placement nearest the transcript's 3' end. VCF-style (leftmost placement, unchanged base first): chr17-31227550-G-GAACA. GRCh37 (hg19) VCF-style: chr17-29554568-G-GAACA.
Other names: c.2355_2358dup, p.Ala787fs (NM_000267.4); short protein forms A787fs.
Identifiers: ClinVar variation 4712805 (VCV004712805.1).
Genomic context (GRCh38, chr17:31,227,550, plus strand): 5'-GTTGCTTTCAAGTGATAATTGCCTTCATTTTAGGCTTGGGAAGATACACATGCAAAATGG[G>GAACA]AACAAGCAACAAAGCTAATCCTTAACTATCCAAAAGCCAAAATGGAAGATGGCCAGGTAA-3'

ClinVar aggregate classification (germline): Pathogenic (1 of 4 stars; one submission).

Conditions:
Neurofibromatosis, type 1 (NF1). Also called: VON RECKLINGHAUSEN DISEASE; Peripheral type neurofibromatosis; NEUROFIBROMATOSIS, TYPE I, SOMATIC; Neurofibromatosis, type I. Identifiers: Orphanet 636, MedGen C0027831, MONDO:0018975, OMIM 162200. Disease mechanism: loss of function.

Submission:

Labcorp Genetics (formerly Invitae), Labcorp
Classification: Pathogenic for Neurofibromatosis, type 1. Last evaluated: 2025-02-11. Review status: criteria provided, single submitter. Criteria: Invitae Variant Classification Sherloc (09022015). Collection method: clinical testing. Allele origin: germline.
Comment: This sequence change creates a premature translational stop signal (p.Ala787Thrfs*8) in the NF1 gene. It is expected to result in an absent or disrupted protein product. Loss-of-function variants in NF1 are known to be pathogenic (PMID: 10712197, 23913538). This variant is not present in population databases (gnomAD no frequency). This variant has not been reported in the literature in individuals affected with NF1-related conditions. For these reasons, this variant has been classified as Pathogenic.

Literature cited by the submitters: PubMed 10712197; PubMed 23913538.